The following is an entry in ClinVar:

ClinVar aggregate classification (germline): Uncertain significance (1 of 4 stars; one submission).

Conditions:
DICER1-related tumor predisposition. Also called: DICER1 syndrome; DICER1-related pleuropulmonary blastoma cancer predisposition syndrome. Identifiers: Orphanet 284343, MedGen C3839822, MONDO:0100216.

Submission:

Labcorp Genetics (formerly Invitae), Labcorp
Classification: Uncertain significance for DICER1-related tumor predisposition. Last evaluated: 2024-03-21. Review status: criteria provided, single submitter. Criteria: Invitae Variant Classification Sherloc (09022015). Collection method: clinical testing. Allele origin: germline.
Comment: This sequence change replaces cysteine, which is neutral and slightly polar, with tryptophan, which is neutral and slightly polar, at codon 1063 of the DICER1 protein (p.Cys1063Trp). This variant is not present in population databases (gnomAD no frequency). This variant has not been reported in the literature in individuals affected with DICER1-related conditions. Advanced modeling of protein sequence and biophysical properties (such as structural, functional, and spatial information, amino acid conservation, physicochemical variation, residue mobility, and thermodynamic stability) performed at Invitae indicates that this missense variant is not expected to disrupt DICER1 protein function with a negative predictive value of 80%. In summary, the available evidence is currently insufficient to determine the role of this variant in disease. Therefore, it has been classified as a Variant of Uncertain Significance.

NM_177438.3(DICER1):c.3189C>G (p.Cys1063Trp)

Gene: DICER1 (dicer 1, ribonuclease III; minus strand). Cytogenetic location: 14q32.13.
Variant type: single nucleotide variant.
Coding change: c.3189C>G on transcript NM_177438.3 (MANE Select); coding-DNA position 3189, C replaced by G.
Protein change: p.Cys1063Trp; replaces cysteine 1063 with tryptophan.
Molecular consequence: missense variant. On other transcripts: non-coding transcript variant (6).
Genome position (GRCh38, 1-based): chr14:95,105,151, G>C on the plus strand (C>G on the coding strand, the complement: DICER1 is on the minus strand). VCF-style: chr14-95105151-G-C. GRCh37 (hg19) VCF-style: chr14-95571488-G-C.
Other names: c.3189C>G, p.Cys1063Trp (NM_001195573.1, NM_001271282.3, NM_001291628.2 and 12 more transcripts); c.2907C>G, p.Cys969Trp (NM_001395686.1); c.2784C>G, p.Cys928Trp (NM_001395687.1, NM_001395688.1, NM_001395689.1 and 2 more transcripts); c.2622C>G, p.Cys874Trp (NM_001395691.1); c.1506C>G, p.Cys502Trp (NM_001395697.1); short protein forms C1063W, C969W, C502W, C928W, C874W.
Identifiers: ClinVar variation 3647200 (VCV003647200.2).
Genomic context (GRCh38, chr14:95,105,151, plus strand): 5'-TCTGACTCCCACGCCAGCATCGCTGGCAGTCTGGGCTCTTAGCTCCTCTGCAGTCAAAAG[G>C]CAGTGAAGGCGATAAAGTATGCTGGGGAGACAAACAGCTTTTCTCCACAGTGATGCTGGA-3'
Protein context (NP_803187.1, residues 1053-1073): CLPSILYRLH[Cys1063Trp]LLTAEELRAQ